The following is an entry in ClinVar:

NM_000169.3(GLA):c.85dup (p.Ala29fs)

Genes: GLA (galactosidase alpha; minus strand), RPL36A-HNRNPH2 (RPL36A-HNRNPH2 readthrough; plus strand). Cytogenetic location: Xq22.1.
Variant type: Duplication.
Coding change: c.85dup on transcript NM_000169.3 (MANE Select); coding-DNA position 85, one base duplicated (G; older notation c.85dupG).
Protein change: p.Ala29fs; shifts the reading frame from alanine 29.
Molecular consequence: frameshift variant. On other transcripts: non-coding transcript variant (3), intron variant (2).
Genome position (GRCh38, 1-based): chrX:101,407,819, C duplicated on the plus strand (G on the coding strand, the reverse complement: GLA is on the minus strand); the first of 4 consecutive C bases (chrX:101,407,819-101,407,822); duplicating any one gives the same sequence. VCF-style (leftmost placement, unchanged base first): chrX-101407818-G-GC. GRCh37 (hg19) VCF-style: chrX-100662806-G-GC.
Other names: c.85dupG (NM_000169.2); c.85dup, p.Ala29fs (NM_001406747.1, NM_001406748.1, NM_001406749.1); c.301-4114dup (NM_001199973.2); c.178-4114dup (NM_001199974.2); short protein forms A29fs.
Identifiers: ClinVar variation 632839 (VCV000632839.11), dbSNP rs1569306181, ClinGen allele CA913190394.

ClinVar aggregate classification (germline): Pathogenic. Review status: criteria provided, multiple submitters, no conflicts (2 of 4 stars). 3 submissions from 3 submitters: Pathogenic (3). Last evaluated 2026-09-08.

Conditions:
Fabry disease. Also called: Angiokeratoma corporis diffusum; Ceramide trihexosidosis; Fabry's disease; ALPHA-GALACTOSIDASE A DEFICIENCY; ANDERSON-FABRY DISEASE; CERAMIDE TRIHEXOSIDASE DEFICIENCY. Identifiers: Orphanet 324, MedGen C0002986, MONDO:0010526, OMIM 301500, HP:0001071. Disease mechanism: loss of function, Fabry disease is due to inactivating mutations in the X-linked GLA gene resulting in deficiency of the enzyme Alpha Galactosidase-A..

Submissions (3):

Genomenon, Inc
Classification: Pathogenic for Fabry disease. Last evaluated: 2026-09-08. Review status: criteria provided, single submitter. Criteria: Genomenon Sequence Variant Interpretation Standards - Updated. Collection method: curation. Allele origin: germline. Affected: yes.
Comment: GLA p.Ala29GlyfsTer2 (c.85dup) is a frameshift variant that is predicted to introduce a premature termination codon and result in a truncated or absent protein product. This variant has been observed in at least one proband with clinical features consistent with Fabry disease (PMID:11322659;16148726). Functional or patient cell studies have been reported (PMID:19387866;18698230). It is absent or not present at a significant frequency in gnomAD. In conclusion, we classify GLA p.Ala29GlyfsTer2 (c.85dup) as a pathogenic variant.

Labcorp Genetics (formerly Invitae), Labcorp
Classification: Pathogenic for Fabry disease. Last evaluated: 2021-03-07. Review status: criteria provided, single submitter. Criteria: Invitae Variant Classification Sherloc (09022015). Collection method: clinical testing. Allele origin: germline.
Comment: This sequence change creates a premature translational stop signal (p.Ala29Glyfs*2) in the GLA gene. It is expected to result in an absent or disrupted protein product. Loss-of-function variants in GLA are known to be pathogenic (PMID: 10666480, 12175777). For these reasons, this variant has been classified as Pathogenic. This variant has been observed in individual(s) with Fabry disease (PMID: 11322659). ClinVar contains an entry for this variant (Variation ID: 632839). This variant is not present in population databases (ExAC no frequency).

Women's Health and Genetics/Laboratory Corporation of America, LabCorp
Classification: Pathogenic for Fabry disease. Last evaluated: 2018-12-18. Review status: criteria provided, single submitter. Criteria: LabCorp Variant Classification Summary - May 2015. Collection method: clinical testing. Allele origin: germline.
Comment: Variant summary: GLA c.85dupG (p.Ala29GlyfsX2) results in a premature termination codon, predicted to cause a truncation of the encoded protein or absence of the protein due to nonsense mediated decay, which are commonly known mechanisms for disease. Truncations downstream of this position have been classified as pathogenic by our laboratory (eg. p.Glu103X, p.Trp162X, p.Arg220X). The variant was absent in 178735 control chromosomes (gnomAD). c.85dupG has been reported in the literature in individuals affected with Fabry Disease (Ashley_2001, Shin_2008). These data indicate that the variant may be associated with disease. In cells from a patient with this variant, enzyme activity was <10%, and did not increase in response to the pharmacological chaperone 1-deoxygalactonojirimycin (DGJ) (Shin_2008). No clinical diagnostic laboratories have submitted clinical-significance assessments for this variant to ClinVar after 2014. Based on the evidence outlined above, the variant was classified as pathogenic.

Literature cited by the submitters: PubMed 11322659 (cited by 3 submitters); PubMed 16148726 (cited by Genomenon, Inc); PubMed 19387866 (cited by Genomenon, Inc); PubMed 18698230 (cited by Genomenon, Inc and Women's Health and Genetics/Laboratory Corporation of America, LabCorp); PubMed 10666480 (cited by Labcorp Genetics (formerly Invitae), Labcorp); PubMed 12175777 (cited by Labcorp Genetics (formerly Invitae), Labcorp).